The following is an entry in ClinVar:

NM_020223.4(FAM20C):c.169G>C (p.Ala57Pro)

Gene: FAM20C (FAM20C golgi associated secretory pathway kinase; plus strand). Cytogenetic location: 7p22.3.
Variant type: single nucleotide variant.
Coding change: c.169G>C on transcript NM_020223.4 (MANE Select); coding-DNA position 169, G replaced by C.
Protein change: p.Ala57Pro; replaces alanine 57 with proline.
Molecular consequence: missense variant.
Genome position (GRCh38, 1-based): chr7:193,368, G>C. VCF-style: chr7-193368-G-C. GRCh37 (hg19) VCF-style: chr7-193368-G-C.
Other names: short protein forms A57P.
Identifiers: ClinVar variation 2007263 (VCV002007263.4), dbSNP rs1344168203, ClinGen allele CA366522773.

ClinVar aggregate classification (germline): Uncertain significance (1 of 4 stars; one submission).

Submission:

Labcorp Genetics (formerly Invitae), Labcorp
Classification: Uncertain significance. Last evaluated: 2022-06-15. Review status: criteria provided, single submitter. Criteria: Invitae Variant Classification Sherloc (09022015). Collection method: clinical testing. Allele origin: germline.
Comment: In summary, the available evidence is currently insufficient to determine the role of this variant in disease. Therefore, it has been classified as a Variant of Uncertain Significance. Algorithms developed to predict the effect of missense changes on protein structure and function (SIFT, PolyPhen-2, Align-GVGD) all suggest that this variant is likely to be tolerated. This variant has not been reported in the literature in individuals affected with FAM20C-related conditions. This variant is not present in population databases (gnomAD no frequency). This sequence change replaces alanine, which is neutral and non-polar, with proline, which is neutral and non-polar, at codon 57 of the FAM20C protein (p.Ala57Pro).